The following is an entry in ClinVar:

NM_032620.4(GTPBP3):c.1292G>A (p.Arg431Gln)

Gene: GTPBP3 (GTP binding protein 3, mitochondrial; plus strand). Cytogenetic location: 19p13.11.
Variant type: single nucleotide variant.
Coding change: c.1292G>A on transcript NM_032620.4 (MANE Select); coding-DNA position 1292, G replaced by A.
Protein change: p.Arg431Gln; replaces arginine 431 with glutamine.
Molecular consequence: missense variant.
Genome position (GRCh38, 1-based): chr19:17,341,516, G>A. VCF-style: chr19-17341516-G-A. GRCh37 (hg19) VCF-style: chr19-17452325-G-A.
Other names: c.1229G>A, p.Arg410Gln (NM_001128855.3); c.1358G>A, p.Arg453Gln (NM_001195422.1); c.1388G>A, p.Arg463Gln (NM_133644.4); short protein forms R431Q, R463Q, R410Q, R453Q.
Identifiers: ClinVar variation 1492583 (VCV001492583.3), dbSNP rs755920326, ClinGen allele CA9293704.
Genomic context (GRCh38, chr19:17,341,516, plus strand): 5'-CCATGTCTCTTGTCTCTTCCAGGTGTGGGGACCCGTCCACAGATCCCCCGCTGCTGACCC[G>A]AGCAAGGCACCAGCACCACCTCCAGGGTTGCCTGGATGCCCTCGGCCACTACAAGCAGTC-3'
Protein context (NP_116009.2, residues 421-441): DPSTDPPLLT[Arg431Gln]ARHQHHLQGC

ClinVar aggregate classification (germline): Uncertain significance (1 of 4 stars; one submission).

Allele frequency attached by ClinVar (database versions not stated): gnomAD 0.00001; TOPMed 0.00001; gnomAD exomes 0.00002 and 0.00003; ExAC 0.00003.
gnomAD v4.1: 41 of 1,613,330 alleles (0.0025%); highest among the groups gnomAD compares: Non-Finnish European, 0.0033%; no homozygotes.

Submission:

Labcorp Genetics (formerly Invitae), Labcorp
Classification: Uncertain significance. Last evaluated: 2021-08-04. Review status: criteria provided, single submitter. Criteria: Invitae Variant Classification Sherloc (09022015). Collection method: clinical testing. Allele origin: germline.
Comment: This sequence change replaces arginine with glutamine at codon 463 of the GTPBP3 protein (p.Arg463Gln). The arginine residue is moderately conserved and there is a small physicochemical difference between arginine and glutamine. This variant is present in population databases (rs755920326, ExAC 0.005%). This variant has not been reported in the literature in individuals affected with GTPBP3-related conditions. Algorithms developed to predict the effect of missense changes on protein structure and function (SIFT, PolyPhen-2, Align-GVGD) all suggest that this variant is likely to be tolerated. In summary, the available evidence is currently insufficient to determine the role of this variant in disease. Therefore, it has been classified as a Variant of Uncertain Significance.